The following is an entry in ClinVar:

ClinVar aggregate classification (germline): Likely benign. Review status: criteria provided, multiple submitters, no conflicts (2 of 4 stars). 5 submissions from 5 submitters: Likely benign (5). Last evaluated 2025-10-13.

Conditions:
FLNC-related disorder. Also called: FLNC-related condition; FLNC-related disorders.
Myofibrillar myopathy 5. Also called: Filaminopathy (type); FILAMINOPATHY, AUTOSOMAL DOMINANT. Identifiers: Orphanet 171445, MedGen C1836050, MONDO:0012289, OMIM 609524.
Distal myopathy with posterior leg and anterior hand involvement. Also called: WILLIAMS DISTAL MYOPATHY. Identifiers: Orphanet 63273, MedGen C3279722, MONDO:0013550, OMIM 614065.
Hypertrophic cardiomyopathy 26. Also called: Cardiomyopathy, familial hypertrophic, 26. Identifiers: Orphanet 75249, MedGen C4310749, MONDO:0014883, OMIM 617047.
Cardiovascular phenotype. Identifiers: MedGen CN230736.

Allele frequency attached by ClinVar (database versions not stated): gnomAD 0.00001; ExAC 0.00002; gnomAD exomes 0.00003 and 0.00005; TOPMed 0.00004.
gnomAD v4.1: 80 of 1,613,650 alleles (0.005%); highest among the groups gnomAD compares: Middle Eastern, 0.016%; no homozygotes.

Submissions (5):

PreventionGenetics, part of Exact Sciences
Classification: Likely benign for FLNC-related condition. Last evaluated: 2025-10-13. Review status: criteria provided, single submitter. Criteria: ACMG Guidelines, 2015. Collection method: clinical testing. Allele origin: germline.
Comment: This variant is classified as likely benign based on ACMG/AMP sequence variant interpretation guidelines (Richards et al. 2015 PMID: 25741868, with internal and published modifications).

Labcorp Genetics (formerly Invitae), Labcorp
Classification: Likely benign for Distal myopathy with posterior leg and anterior hand involvement; Myofibrillar myopathy 5; Hypertrophic cardiomyopathy 26. Last evaluated: 2025-06-24. Review status: criteria provided, single submitter. Criteria: Invitae Variant Classification Sherloc (09022015). Collection method: clinical testing. Allele origin: germline.

Blueprint Genetics
Classification: Likely benign. Last evaluated: 2023-07-20. Review status: criteria provided, single submitter. Criteria: ACMG Guidelines, 2015. Collection method: clinical testing. Allele origin: germline.

Ambry Genetics
Classification: Likely benign for Cardiovascular phenotype. Last evaluated: 2021-03-01. Review status: criteria provided, single submitter. Criteria: Ambry Variant Classification Scheme 2023. Collection method: clinical testing. Allele origin: germline.

GeneDx
Classification: Likely benign. Last evaluated: 2020-10-13. Review status: criteria provided, single submitter. Criteria: GeneDx Variant Classification Process June 2021. Collection method: clinical testing. Allele origin: germline. Affected: yes.

NM_001458.5(FLNC):c.3558G>A (p.Ala1186=)

Gene: FLNC (filamin C; plus strand). Cytogenetic location: 7q32.1.
Variant type: single nucleotide variant.
Coding change: c.3558G>A on transcript NM_001458.5 (MANE Select); coding-DNA position 3558, G replaced by A.
Protein change: p.Ala1186=; no amino-acid change (alanine 1186 retained).
Molecular consequence: synonymous variant.
Genome position (GRCh38, 1-based): chr7:128,845,023, G>A. VCF-style: chr7-128845023-G-A. GRCh37 (hg19) VCF-style: chr7-128485077-G-A.
Other names: c.3558G>A, p.Ala1186= (NM_001127487.2).
Identifiers: ClinVar variation 1215085 (VCV001215085.15), dbSNP rs774467047, ClinGen allele CA4475068.